The following is an entry in ClinVar:

ClinVar aggregate classification (germline): Pathogenic/Likely pathogenic. Review status: criteria provided, multiple submitters, no conflicts (2 of 4 stars). 2 submissions from 2 submitters: Pathogenic (1); Likely pathogenic (1). Last evaluated 2024-04-24.

Conditions:
Neurofibromatosis, type 2 (SWNV). Also called: BILATERAL ACOUSTIC NEUROFIBROMATOSIS; SCHWANNOMATOSIS, VESTIBULAR; NF2-Related Schwannomatosis. Identifiers: Orphanet 637, MedGen C0027832, MONDO:0007039, OMIM 101000. Disease mechanism: loss of function.

Submissions (2):

Institute for Genomic Medicine (IGM) Clinical Laboratory, Nationwide Children's Hospital
Classification: Likely pathogenic for Neurofibromatosis, type 2. Last evaluated: 2024-04-24. Review status: criteria provided, single submitter. Criteria: ACMG Guidelines, 2015. Collection method: clinical testing. Allele origin: germline.
Comment: This variant is predicted to result in loss of function through nonsense-mediated decay of the encoded transcript or premature truncation of the encoded protein in a gene in which loss of function is a known mechanism of disease (ACMG/AMP: PVS1; PMIDs:9643284, 16983642). This variant is absent from or present at an exceedingly low frequency in gnomAD, a large-scale control population database (ACMG/AMP: PM2).

Labcorp Genetics (formerly Invitae), Labcorp
Classification: Pathogenic for Neurofibromatosis, type 2. Last evaluated: 2021-05-18. Review status: criteria provided, single submitter. Criteria: Invitae Variant Classification Sherloc (09022015). Collection method: clinical testing. Allele origin: germline.
Comment: For these reasons, this variant has been classified as Pathogenic. Loss-of-function variants in NF2 are known to be pathogenic (PMID: 9643284, 16983642). This variant has not been reported in the literature in individuals with NF2-related disease. This variant is not present in population databases (ExAC no frequency). This sequence change creates a premature translational stop signal (p.Val92Serfs*31) in the NF2 gene. It is expected to result in an absent or disrupted protein product.

Literature cited by the submitters: PubMed 9643284 (cited by Institute for Genomic Medicine (IGM) Clinical Laboratory, Nationwide Children's Hospital and Labcorp Genetics (formerly Invitae), Labcorp); PubMed 16983642 (cited by Institute for Genomic Medicine (IGM) Clinical Laboratory, Nationwide Children's Hospital and Labcorp Genetics (formerly Invitae), Labcorp).

NM_000268.4(NF2):c.273del (p.Val92fs)

Gene: NF2 (NF2, moesin-ezrin-radixin like (MERLIN) tumor suppressor; plus strand). Cytogenetic location: 22q12.2.
Variant type: Deletion.
Coding change: c.273del on transcript NM_000268.4 (MANE Select); coding-DNA position 273, one base deleted (A; older notation c.273delA).
Protein change: p.Val92fs; shifts the reading frame from valine 92.
Molecular consequence: frameshift variant. On other transcripts: non-coding transcript variant (1), intron variant (3).
Genome position (GRCh38, 1-based): chr22:29,639,122, A deleted. VCF-style (leftmost placement, unchanged base first): chr22-29639121-CA-C. GRCh37 (hg19) VCF-style: chr22-30035110-CA-C.
Other names: c.273delA (NM_000268.3); c.273del, p.Val92fs (NM_016418.5, NM_181825.3, NM_181832.3 and 1 more transcripts); c.147del, p.Val50fs (NM_181828.3); c.240+2246del (NM_181829.3); c.115-3080del (NM_181830.3, NM_181831.3); short protein forms V50fs, V92fs.
Identifiers: ClinVar variation 457911 (VCV000457911.8), dbSNP rs1555987647, ClinGen allele CA658656825.